The following is an entry in ClinVar:

ClinVar aggregate classification (germline): Pathogenic. Review status: criteria provided, multiple submitters, no conflicts (2 of 4 stars). 2 submissions from 2 submitters: Pathogenic (2). Last evaluated 2026-09-03.

Conditions:
Cardiovascular phenotype. Identifiers: MedGen CN230736.
Hereditary cancer-predisposing syndrome. Also called: Hereditary Cancer Syndrome; Tumor predisposition; Neoplastic Syndromes, Hereditary; Hereditary neoplastic syndrome. Identifiers: Orphanet 140162, MedGen C0027672, MeSH D009386, MONDO:0015356.
Neurofibromatosis, type 1 (NF1). Also called: NEUROFIBROMATOSIS, TYPE I, SOMATIC; Peripheral type neurofibromatosis; VON RECKLINGHAUSEN DISEASE; Neurofibromatosis, type I. Identifiers: Orphanet 636, MedGen C0027831, MONDO:0018975, OMIM 162200. Disease mechanism: loss of function.

Submissions (2):

Ambry Genetics
Classification: Pathogenic for Cardiovascular phenotype; Hereditary cancer-predisposing syndrome. Last evaluated: 2026-09-03. Review status: criteria provided, single submitter. Criteria: Ambry Variant Classification Scheme 2023. Collection method: clinical testing. Allele origin: germline.
Comment: The c.1062+1G>T intronic pathogenic mutation results from a G to T substitution one nucleotide after coding exon 9 of the NF1 gene. This variant was reported in individual(s) with features consistent with neurofibromatosis type 1 (Ambry internal data). This nucleotide position is highly conserved in available vertebrate species. In silico splice site analysis predicts that this alteration will weaken the native splice donor site. RNA studies have demonstrated that this variant results in abnormal splicing in the set of samples tested (Ambry internal data). Other variant(s) impacting the same donor site (c.1062G>A, c.1062+2T>C, c.1062+2T>G, and c.1062+3A>G) have been identified in individual(s) with features consistent with neurofibromatosis type 1 (Bausch B et al. J Clin Endocrinol Metab, 2007 Jul;92:2784-92; Pros E et al. Hum Mutat, 2008 Sep;29:E173-93; Ben-Salem S et al. Childs Nerv Syst, 2014 Jul;30:1183-9; external communication; Ambry internal data). c.1062+1G>T is considered to be rare based on population cohorts in the Genome Aggregation Database (gnomAD). Based on the supporting evidence, this variant is interpreted as a disease-causing mutation.

Labcorp Genetics (formerly Invitae), Labcorp
Classification: Pathogenic for Neurofibromatosis, type 1. Last evaluated: 2023-07-09. Review status: criteria provided, single submitter. Criteria: Invitae Variant Classification Sherloc (09022015). Collection method: clinical testing. Allele origin: germline.
Comment: This variant is not present in population databases (gnomAD no frequency). For these reasons, this variant has been classified as Pathogenic. Algorithms developed to predict the effect of sequence changes on RNA splicing suggest that this variant may disrupt the consensus splice site. ClinVar contains an entry for this variant (Variation ID: 1442842). Disruption of this splice site has been observed in individual(s) with neurofibromatosis type 1 (PMID: 17426081, 24413922). This sequence change affects a donor splice site in intron 9 of the NF1 gene. It is expected to disrupt RNA splicing. Variants that disrupt the donor or acceptor splice site typically lead to a loss of protein function (PMID: 16199547), and loss-of-function variants in NF1 are known to be pathogenic (PMID: 10712197, 23913538).

Literature cited by the submitters: PubMed 17426081 (cited by Ambry Genetics and Labcorp Genetics (formerly Invitae), Labcorp); PubMed 18546366 (cited by Ambry Genetics); PubMed 24413922 (cited by Ambry Genetics and Labcorp Genetics (formerly Invitae), Labcorp); PubMed 16199547 (cited by Labcorp Genetics (formerly Invitae), Labcorp); PubMed 10712197 (cited by Labcorp Genetics (formerly Invitae), Labcorp); PubMed 23913538 (cited by Labcorp Genetics (formerly Invitae), Labcorp).

NM_001042492.3(NF1):c.1062+1G>T

Gene: NF1 (neurofibromin 1; plus strand). Cytogenetic location: 17q11.2.
Variant type: single nucleotide variant.
Coding change: c.1062+1G>T on transcript NM_001042492.3 (MANE Select); the canonical splice donor site of the intron after coding-DNA position 1062, G replaced by T.
Molecular consequence: splice donor variant.
Genome position (GRCh38, 1-based): chr17:31,200,596, G>T. VCF-style: chr17-31200596-G-T. GRCh37 (hg19) VCF-style: chr17-29527614-G-T.
Other names: c.1062+1G>T (NM_000267.4, NM_001128147.3, NM_000267.3).
Identifiers: ClinVar variation 1442842 (VCV001442842.7), dbSNP rs1597681200, ClinGen allele CA398996576.